The following is an entry in ClinVar:

ClinVar aggregate classification (germline): Pathogenic (1 of 4 stars; one submission).

Conditions:
Glycogen storage disease type III (GSD3). Also called: Cori disease; FORBES DISEASE. Identifiers: Orphanet 366, MedGen C0017922, MONDO:0009291, OMIM 232400.

Submission:

Labcorp Genetics (formerly Invitae), Labcorp
Classification: Pathogenic for Glycogen storage disease type III. Last evaluated: 2025-02-07. Review status: criteria provided, single submitter. Criteria: Invitae Variant Classification Sherloc (09022015). Collection method: clinical testing. Allele origin: germline.
Comment: This sequence change creates a premature translational stop signal (p.Lys269Glyfs*7) in the AGL gene. It is expected to result in an absent or disrupted protein product. Loss-of-function variants in AGL are known to be pathogenic (PMID: 19299494). This variant is not present in population databases (gnomAD no frequency). This variant has not been reported in the literature in individuals affected with AGL-related conditions. For these reasons, this variant has been classified as Pathogenic.

Literature cited by the submitters: PubMed 19299494.

NM_000642.3(AGL):c.805_806del (p.Lys269fs)

Gene: AGL (amylo-alpha-1,6-glucosidase and 4-alpha-glucanotransferase; plus strand). Cytogenetic location: 1p21.2.
Variant type: Deletion.
Coding change: c.805_806del on transcript NM_000642.3 (MANE Select); coding-DNA positions 805 to 806, 2 bases deleted (AA; older notation c.805_806delAA).
Protein change: p.Lys269fs; shifts the reading frame from lysine 269.
Molecular consequence: frameshift variant.
Genome position (GRCh38, 1-based): chr1:99,870,540-99,870,541, AA deleted; deleting any 2 consecutive bases within chr1:99,870,538-99,870,541 gives the same sequence; the c. name uses the placement nearest the transcript's 3' end. VCF-style (leftmost placement, unchanged base first): chr1-99870537-GAA-G. GRCh37 (hg19) VCF-style: chr1-100336093-GAA-G.
Other names: c.805_806del, p.Lys269fs (NM_000644.3, NM_001425325.1, NM_001425326.1 and 3 more transcripts); c.757_758del, p.Lys253fs (NM_000646.3); c.601_602del, p.Lys201fs (NM_001425328.1, NM_001425329.1); c.427_428del, p.Lys143fs (NM_001425332.1); short protein forms K201fs, K269fs, K143fs, K253fs.
Identifiers: ClinVar variation 4712570 (VCV004712570.1).
Genomic context (GRCh38, chr1:99,870,537, plus strand): 5'-TGGGTCTTAGACAGAGCACTTTGGCGTTTCTCCTGTGATGTTGCAGAAGGGAAATACAAA[GAA>G]AAGGGAATACCTGCTTTGATTGAAAATGATCACCATATGAATGTCAGTATGTACAGAGGA-3'